The following is an entry in ClinVar:

ClinVar aggregate classification (germline): Uncertain significance. Review status: reviewed by expert panel (3 of 4 stars). 3 submissions from 3 submitters: Uncertain significance (1). 2 of the submissions do not count toward it. Last evaluated 2024-09-09.

Conditions:
Mitochondrial disease. Also called: Mitochondrial disorder; Mitochondrial disorders. Identifiers: Orphanet 68380, MedGen C0751651, MeSH D028361, MONDO:0044970.
MELAS syndrome (MELAS). Also called: Juvenile myopathy, encephalopathy, lactic acidosis, stroke. Identifiers: Orphanet 550, MedGen C0162671, MONDO:0010789, OMIM 540000.

Submissions (3):

ClinGen Mitochondrial Disease Nuclear and Mitochondrial  Variant Curation Expert Panel, ClinGen
Classification: Uncertain significance for Mitochondrial disease. Last evaluated: 2024-09-09. Review status: reviewed by expert panel. Criteria: clingen mito disease acmg specifications v1-1. Collection method: curation. Allele origin: germline. Inheritance: Mitochondrial inheritance.
Comment: The m.618T>C variant in MT-TF has been reported in one individual with primary mitochondrial disease (PMID: 9636664). This person had myopathy with ragged red fibers on muscle biopsy and reduced activities of electron transport chain enzyme complexes I and III in muscle. The variant was present at 95% heteroplasmy in skeletal muscle and 20% in blood. There are no other families or de novo occurrences of this variant reported to our knowledge. There is one heteroplasmic occurrence of this variant in the Helix dataset and this variant is absent in the MITOMAP GenBank dataset and in gnomAD v3.1.2 (PM2_supporting). The computational predictor MitoTIP suggests this variant is pathogenic (65.8 percentile) and HmtVAR predicts it to be pathogenic score of 0.6 (PP3). No cybrid or single-fiber studies were performed. However, a significant loss in aminoacylation efficiency was demonstrated and, when a compensatory variant was introduced to restore Watson–Crick base pairing in the anti-codon stem, the double mutant fully restored aminoacylation (PS3_supporting; PMID: 17878308). In summary, this variant meets criteria to be classified as uncertain significance for primary mitochondrial disease inherited in a mitochondrial manner. This classification was approved by the NICHD/NINDS U24 ClinGen Mitochondrial Disease Variant Curation Expert Panel on September 9, 2024. Mitochondrial DNA-specific ACMG/AMP criteria applied (PMID: 32906214): PM2_supporting, PP3, PS3_supporting.

Mendelics
Classification: Pathogenic for Mitochondrial disease. Last evaluated: 2022-05-04. Review status: criteria provided, single submitter. Criteria: Mendelics Assertion Criteria 2019. Collection method: clinical testing. Allele origin: germline. Not counted in ClinVar's aggregate classification.

Wong Mito Lab, Molecular and Human Genetics, Baylor College of Medicine
Classification: Likely pathogenic for MELAS syndrome. Last evaluated: 2019-07-12. Review status: criteria provided, single submitter. Criteria: Modified ACMG Guidelines (Unpublished). Collection method: clinical testing. Allele origin: germline. Not counted in ClinVar's aggregate classification.
Comment: The NC_012920.1:m.618T>C variant in MT-TF gene is interpreted to be a Likely Pathogenic variant based on the modified ACMG guidelines (unpublished). This variant meets the following evidence codes reported in the guidelines: PM5, PM8, PM9, PP3

Literature cited by the submitters: PubMed 17878308 (cited by ClinGen Mitochondrial Disease Nuclear and Mitochondrial  Variant Curation Expert Panel, ClinGen); PubMed 31965079 (cited by Wong Mito Lab, Molecular and Human Genetics, Baylor College of Medicine); PubMed 9636664 (cited by Wong Mito Lab, Molecular and Human Genetics, Baylor College of Medicine); PubMed 21882289 (cited by Wong Mito Lab, Molecular and Human Genetics, Baylor College of Medicine).

NC_012920.1(MT-TF):m.618T>C

Gene: MT-TF (mitochondrially encoded tRNA phenylalanine; plus strand).
Variant type: single nucleotide variant.
Genome position: chrM-618-T-C.
Identifiers: ClinVar variation 689818 (VCV000689818.2), dbSNP rs1603218460, ClinGen allele CA913175634.
Genomic context (GRCh38, chrMT:618, plus strand): 5'-CCCAAAGACACCCCCCACAGTTTATGTAGCTTACCTCCTCAAAGCAATACACTGAAAATG[T>C]TTAGACGGGCTCACATCACCCCATAAACAAATAGGTTTGGTCCTAGCCTTTCTATTAGCT-3'